The following is an entry in ClinVar:

NM_004035.7(ACOX1):c.583A>G (p.Thr195Ala)

Gene: ACOX1 (acyl-CoA oxidase 1; minus strand). Cytogenetic location: 17q25.1.
Variant type: single nucleotide variant.
Coding change: c.583A>G on transcript NM_004035.7 (MANE Select); coding-DNA position 583, A replaced by G.
Protein change: p.Thr195Ala; replaces threonine 195 with alanine.
Molecular consequence: missense variant.
Genome position (GRCh38, 1-based): chr17:75,955,903, T>C on the plus strand (A>G on the coding strand, the complement: ACOX1 is on the minus strand). VCF-style: chr17-75955903-T-C. GRCh37 (hg19) VCF-style: chr17-73951984-T-C.
Other names: c.469A>G, p.Thr157Ala (NM_001185039.2); c.583A>G, p.Thr195Ala (NM_007292.6); short protein forms T195A, T157A.
Identifiers: ClinVar variation 2171487 (VCV002171487.1), dbSNP rs751228939, ClinGen allele CA8776981.

ClinVar aggregate classification (germline): Uncertain significance (1 of 4 stars; one submission).

Conditions:
Acyl-CoA oxidase deficiency. Also called: STRAIGHT-CHAIN ACYL-CoA OXIDASE DEFICIENCY; Pseudoneonatal adrenoleukodystrophy; Peroxisomal acyl-CoA oxidase deficiency. Identifiers: Orphanet 2971, MedGen C1849678, MONDO:0009919, OMIM 264470. Disease mechanism: loss of function.

Allele frequency attached by ClinVar (database versions not stated): ExAC 0.00001; gnomAD exomes 0.00001.
gnomAD v4.1: 10 of 1,614,146 alleles (0.00062%); highest among the groups gnomAD compares: South Asian, 0.011%; no homozygotes.

Submission:

Labcorp Genetics (formerly Invitae), Labcorp
Classification: Uncertain significance for Acyl-CoA oxidase deficiency. Last evaluated: 2022-03-12. Review status: criteria provided, single submitter. Criteria: Invitae Variant Classification Sherloc (09022015). Collection method: clinical testing. Allele origin: germline.
Comment: This sequence change replaces threonine, which is neutral and polar, with alanine, which is neutral and non-polar, at codon 195 of the ACOX1 protein (p.Thr195Ala). This variant is present in population databases (rs751228939, gnomAD 0.006%). This variant has not been reported in the literature in individuals affected with ACOX1-related conditions. Algorithms developed to predict the effect of missense changes on protein structure and function are either unavailable or do not agree on the potential impact of this missense change (SIFT: "Tolerated"; PolyPhen-2: "Possibly Damaging"; Align-GVGD: "Class C0"). In summary, the available evidence is currently insufficient to determine the role of this variant in disease. Therefore, it has been classified as a Variant of Uncertain Significance.